The following is an entry in ClinVar:

ClinVar aggregate classification (germline): Uncertain significance. Review status: criteria provided, multiple submitters, no conflicts (2 of 4 stars). 3 submissions from 3 submitters: Uncertain significance (3). Last evaluated 2024-10-24.

Conditions:
Microcephaly 5, primary, autosomal recessive (MCPH5). Also called: ASPM Primary Microcephaly. Identifiers: Orphanet 2512, MedGen C1837501, MONDO:0012106, OMIM 608716.
Inborn genetic diseases. Identifiers: MedGen C0950123, MeSH D030342.

Allele frequency attached by ClinVar (database versions not stated): gnomAD 0.00001; ExAC 0.00002.
gnomAD v4.1: 106 of 1,612,254 alleles (0.0066%); highest among the groups gnomAD compares: Admixed American, 0.013%; no homozygotes.

Submissions (3):

Labcorp Genetics (formerly Invitae), Labcorp
Classification: Uncertain significance. Last evaluated: 2024-10-24. Review status: criteria provided, single submitter. Criteria: Invitae Variant Classification Sherloc (09022015). Collection method: clinical testing. Allele origin: germline.
Comment: This sequence change replaces leucine, which is neutral and non-polar, with valine, which is neutral and non-polar, at codon 2847 of the ASPM protein (p.Leu2847Val). This variant is present in population databases (rs199575079, gnomAD 0.01%). This variant has not been reported in the literature in individuals affected with ASPM-related conditions. ClinVar contains an entry for this variant (Variation ID: 1897883). An algorithm developed to predict the effect of missense changes on protein structure and function (PolyPhen-2) suggests that this variant is likely to be tolerated. In summary, the available evidence is currently insufficient to determine the role of this variant in disease. Therefore, it has been classified as a Variant of Uncertain Significance.

Genome-Nilou Lab
Classification: Uncertain significance for Microcephaly 5, primary, autosomal recessive. Last evaluated: 2023-04-11. Review status: criteria provided, single submitter. Criteria: ACMG Guidelines, 2015. Collection method: clinical testing. Allele origin: germline. Affected: no.

Ambry Genetics
Classification: Uncertain significance for Inborn genetic diseases. Last evaluated: 2020-12-29. Review status: criteria provided, single submitter. Criteria: Ambry Variant Classification Scheme 2023. Collection method: clinical testing. Allele origin: germline.
Comment: The c.8539C>G (p.L2847V) alteration is located in exon 18 (coding exon 18) of the ASPM gene. This alteration results from a C to G substitution at nucleotide position 8539, causing the leucine (L) at amino acid position 2847 to be replaced by a valine (V). The p.L2847V alteration is predicted to be tolerated by in silico analysis. Based on insufficient or conflicting evidence, the clinical significance of this alteration remains unclear.

NM_018136.5(ASPM):c.8539C>G (p.Leu2847Val)

Gene: ASPM (assembly factor for spindle microtubules; minus strand). Cytogenetic location: 1q31.3.
Variant type: single nucleotide variant.
Coding change: c.8539C>G on transcript NM_018136.5 (MANE Select); coding-DNA position 8539, C replaced by G.
Protein change: p.Leu2847Val; replaces leucine 2847 with valine.
Molecular consequence: missense variant. On other transcripts: intron variant (1).
Genome position (GRCh38, 1-based): chr1:197,100,712, G>C on the plus strand (C>G on the coding strand, the complement: ASPM is on the minus strand). VCF-style: chr1-197100712-G-C. GRCh37 (hg19) VCF-style: chr1-197069842-G-C.
Other names: c.4066-4548C>G (NM_001206846.2); short protein forms L2847V.
Identifiers: ClinVar variation 1897883 (VCV001897883.7), dbSNP rs199575079, ClinGen allele CA1309206.
Genomic context (GRCh38, chr1:197,100,712, plus strand): 5'-GTAAAGTGATAGCAGCTCTTTTCTGCTGAACAAATCTTCTCCGATACACAGCCATCTGAA[G>C]GAAGAACTGAATCCGTAGGGCAGCACATTTCTGTGTTTCCAGTTTTCTTGTGACCATTCT-3'
Protein context (NP_060606.3, residues 2837-2857): KCAALRIQFF[Leu2847Val]QMAVYRRRFV